The following is an entry in ClinVar:

ClinVar aggregate classification (germline): Uncertain significance (1 of 4 stars; one submission).

Allele frequency attached by ClinVar (database versions not stated): gnomAD exomes 0.00001.
gnomAD v4.1: 14 of 1,613,762 alleles (0.00087%); highest among the groups gnomAD compares: Non-Finnish European, 0.0012%; no homozygotes.

Submission:

Ambry Genetics
Classification: Uncertain significance. Last evaluated: 2022-01-15. Review status: criteria provided, single submitter. Criteria: Ambry Variant Classification Scheme 2023. Collection method: clinical testing. Allele origin: germline.
Comment: The p.F14Y variant (also known as c.41T>A), located in coding exon 1 of the MNDA gene, results from a T to A substitution at nucleotide position 41. The phenylalanine at codon 14 is replaced by tyrosine, an amino acid with highly similar properties. This amino acid position is conserved. In addition, this alteration is predicted to be tolerated by in silico analysis. Since supporting evidence is limited at this time, the clinical significance of this alteration remains unclear.

NM_002432.3(MNDA):c.41T>A (p.Phe14Tyr)

Gene: MNDA (myeloid cell nuclear differentiation antigen; plus strand). Cytogenetic location: 1q23.1.
Variant type: single nucleotide variant.
Coding change: c.41T>A on transcript NM_002432.3 (MANE Select); coding-DNA position 41, T replaced by A.
Protein change: p.Phe14Tyr; replaces phenylalanine 14 with tyrosine.
Molecular consequence: missense variant.
Genome position (GRCh38, 1-based): chr1:158,842,194, T>A. VCF-style: chr1-158842194-T-A. GRCh37 (hg19) VCF-style: chr1-158811984-T-A.
Other names: short protein forms F14Y.
Identifiers: ClinVar variation 1738650 (VCV001738650.2), dbSNP rs2526074512, ClinGen allele CA343036359.